The following is an entry in ClinVar:

NM_002661.5(PLCG2):c.559T>A (p.Phe187Ile)

Gene: PLCG2 (phospholipase C gamma 2; plus strand). Cytogenetic location: 16q23.3.
Variant type: single nucleotide variant.
Coding change: c.559T>A on transcript NM_002661.5 (MANE Select); coding-DNA position 559, T replaced by A.
Protein change: p.Phe187Ile; replaces phenylalanine 187 with isoleucine.
Molecular consequence: missense variant.
Genome position (GRCh38, 1-based): chr16:81,869,293, T>A. VCF-style: chr16-81869293-T-A. GRCh37 (hg19) VCF-style: chr16-81902898-T-A.
Other names: c.559T>A, p.Phe187Ile (NM_001425749.1, NM_001425750.1, NM_001425751.1); short protein forms F187I.
Identifiers: ClinVar variation 2728908 (VCV002728908.3), dbSNP rs1401199637, ClinGen allele CA396903192.

ClinVar aggregate classification (germline): Uncertain significance (1 of 4 stars; one submission).

Conditions:
Familial cold autoinflammatory syndrome 3 (FCAS3). Also called: ANTIBODY DEFICIENCY AND IMMUNE DYSREGULATION, PLCG2-ASSOCIATED; FAMILIAL ATYPICAL COLD URTICARIA. Identifiers: Orphanet 300359, MedGen C3280914, MONDO:0013766, OMIM 614468.

Allele frequency attached by ClinVar (database versions not stated): TOPMed below 0.00001; gnomAD 0.00001; gnomAD exomes 0.00002.
gnomAD v4.1: 28 of 1,610,454 alleles (0.0017%); highest among the groups gnomAD compares: Non-Finnish European, 0.0024%; no homozygotes.

Submission:

Labcorp Genetics (formerly Invitae), Labcorp
Classification: Uncertain significance for Familial cold autoinflammatory syndrome 3. Last evaluated: 2023-01-26. Review status: criteria provided, single submitter. Criteria: Invitae Variant Classification Sherloc (09022015). Collection method: clinical testing. Allele origin: germline.
Comment: Algorithms developed to predict the effect of missense changes on protein structure and function (SIFT, PolyPhen-2, Align-GVGD) all suggest that this variant is likely to be tolerated. In summary, the available evidence is currently insufficient to determine the role of this variant in disease. Therefore, it has been classified as a Variant of Uncertain Significance. This variant has not been reported in the literature in individuals affected with PLCG2-related conditions. This variant is present in population databases (no rsID available, gnomAD 0.002%). This sequence change replaces phenylalanine, which is neutral and non-polar, with isoleucine, which is neutral and non-polar, at codon 187 of the PLCG2 protein (p.Phe187Ile).